The following is an entry in ClinVar:

ClinVar aggregate classification (germline): Uncertain significance (1 of 4 stars; one submission).

Conditions:
Cataract 5 multiple types (CTRCT5). Also called: CATARACT, MARNER TYPE; Lamellar cataract; CATARACT 5, LAMELLAR. Identifiers: Orphanet 91492, MedGen C0266537, MONDO:0007290, OMIM 116800, HP:0007971.

Allele frequency attached by ClinVar (database versions not stated): gnomAD exomes below 0.00001 and 0.00001; TOPMed below 0.00001.
gnomAD v4.1: 2 of 1,604,712 alleles (0.00012%); highest among the groups gnomAD compares: Admixed American, 0.0017%; no homozygotes.

Submission:

Labcorp Genetics (formerly Invitae), Labcorp
Classification: Uncertain significance for Cataract 5 multiple types. Last evaluated: 2020-11-11. Review status: criteria provided, single submitter. Criteria: Invitae Variant Classification Sherloc (09022015). Collection method: clinical testing. Allele origin: germline.
Comment: This variant has not been reported in the literature in individuals with HSF4-related conditions. This variant is not present in population databases (ExAC no frequency). This sequence change replaces proline with serine at codon 314 of the HSF4 protein (p.Pro314Ser). The proline residue is moderately conserved and there is a moderate physicochemical difference between proline and serine. Algorithms developed to predict the effect of missense changes on protein structure and function output the following: SIFT: "Tolerated"; PolyPhen-2: "Benign"; Align-GVGD: "Class C0". The serine amino acid residue is found in multiple mammalian species, suggesting that this missense change does not adversely affect protein function. These predictions have not been confirmed by published functional studies and their clinical significance is uncertain. In summary, the available evidence is currently insufficient to determine the role of this variant in disease. Therefore, it has been classified as a Variant of Uncertain Significance.

NM_001374675.1(HSF4):c.1030C>T (p.Pro344Ser)

Gene: HSF4 (heat shock transcription factor 4; plus strand). Cytogenetic location: 16q22.1.
Variant type: single nucleotide variant.
Coding change: c.1030C>T on transcript NM_001374675.1 (MANE Select); coding-DNA position 1030, C replaced by T.
Protein change: p.Pro344Ser; replaces proline 344 with serine.
Molecular consequence: missense variant.
Genome position (GRCh38, 1-based): chr16:67,167,895, C>T. VCF-style: chr16-67167895-C-T. GRCh37 (hg19) VCF-style: chr16-67201798-C-T.
Other names: c.1030C>T, p.Pro344Ser (NM_001040667.3); c.940C>T, p.Pro314Ser (NM_001374674.1, NM_001538.4); short protein forms P314S, P344S.
Identifiers: ClinVar variation 1433465 (VCV001433465.8), dbSNP rs932918368, ClinGen allele CA282292403.